The following is an entry in ClinVar:

ClinVar aggregate classification (germline): Uncertain significance (1 of 4 stars; one submission).

Submission:

GeneDx
Classification: Uncertain significance. Last evaluated: 2025-03-10. Review status: criteria provided, single submitter. Criteria: GeneDx Variant Classification Process June 2021. Collection method: clinical testing. Allele origin: germline. Affected: yes.
Comment: Not observed at significant frequency in large population cohorts (gnomAD); In silico analysis supports that this missense variant has a deleterious effect on protein structure/function; Has not been previously published as pathogenic or benign to our knowledge

NM_004187.5(KDM5C):c.2921A>G (p.Gln974Arg)

Gene: KDM5C (lysine demethylase 5C; minus strand). Cytogenetic location: Xp11.22.
Variant type: single nucleotide variant.
Coding change: c.2921A>G on transcript NM_004187.5 (MANE Select); coding-DNA position 2921, A replaced by G.
Protein change: p.Gln974Arg; replaces glutamine 974 with arginine.
Molecular consequence: missense variant. On other transcripts: non-coding transcript variant (3).
Genome position (GRCh38, 1-based): chrX:53,196,746, T>C on the plus strand (A>G on the coding strand, the complement: KDM5C is on the minus strand). VCF-style: chrX-53196746-T-C. GRCh37 (hg19) VCF-style: chrX-53225928-T-C.
Other names: c.2720A>G, p.Gln907Arg (NM_001146702.2); c.2918A>G, p.Gln973Arg (NM_001282622.3, NM_001353979.2, NM_001353982.2); c.2921A>G, p.Gln974Arg (NM_001353978.3, NM_001353981.2, NM_001353984.2); short protein forms Q907R, Q973R, Q974R.
Identifiers: ClinVar variation 4082980 (VCV004082980.1).